The following is an entry in ClinVar:

ClinVar aggregate classification (germline): Likely benign (0 of 4 stars; one submission).

Conditions:
SELPLG-related disorder. Also called: SELPLG-related condition.

Allele frequency attached by ClinVar (database versions not stated): gnomAD exomes 0.00001; TOPMed 0.00001; ExAC 0.00002; gnomAD 0.00002.
gnomAD v4.1: 20 of 1,614,054 alleles (0.0012%); highest among the groups gnomAD compares: South Asian, 0.0044%; no homozygotes.

Submission:

PreventionGenetics, part of Exact Sciences
Classification: Likely benign for SELPLG-related condition. Last evaluated: 2019-06-05. Review status: no assertion criteria provided. Collection method: clinical testing. Allele origin: germline.
Comment: This variant is classified as likely benign based on ACMG/AMP sequence variant interpretation guidelines (Richards et al. 2015 PMID: 25741868, with internal and published modifications).

NM_003006.4(SELPLG):c.132C>T (p.Thr44=)

Gene: SELPLG (selectin P ligand; minus strand). Cytogenetic location: 12q24.11.
Variant type: single nucleotide variant.
Coding change: c.132C>T on transcript NM_003006.4 (MANE Select); coding-DNA position 132, C replaced by T.
Protein change: p.Thr44=; no amino-acid change (threonine 44 retained).
Molecular consequence: synonymous variant.
Genome position (GRCh38, 1-based): chr12:108,624,176, G>A on the plus strand (C>T on the coding strand, the complement: SELPLG is on the minus strand). VCF-style: chr12-108624176-G-A. GRCh37 (hg19) VCF-style: chr12-109017952-G-A.
Other names: c.180C>T, p.Thr60= (NM_001206609.2).
Identifiers: ClinVar variation 3044050 (VCV003044050.2), dbSNP rs751563092, ClinGen allele CA6769407.
Genomic context (GRCh38, chr12:108,624,176, plus strand): 5'-CCTCAGCATTTCTGGAGGCTCCGTTTCTGGCAGGAAATCATAATCTAGGTACTCATATTC[G>A]GTGGCCTGTCTCCGGTCCCGGGCAAGCAGGGGACCCAAGGCTTTCTCGGCTTCATCTGCC-3'
Protein context (NP_002997.2, residues 34-54): PLLARDRRQA[Thr44=]EYEYLDYDFL